The following is an entry in ClinVar:

ClinVar aggregate classification (germline): Likely benign (1 of 4 stars; one submission).

Conditions:
Leigh syndrome (NULS). Also called: Leigh's necrotizing encephalopathy; Leigh's disease; Leigh's syndrome; LEIGH SYNDROME, NUCLEAR; Leigh Syndrome (mtDNA deletion); Leigh Disease. Identifiers: Orphanet 506, MedGen C2931891, MONDO:0009723, OMIM 256000.

Submission:

Wong Mito Lab, Molecular and Human Genetics, Baylor College of Medicine
Classification: Likely benign for Leigh syndrome. Last evaluated: 2019-10-17. Review status: criteria provided, single submitter. Criteria: Modified ACMG Guidelines (Unpublished). Collection method: clinical testing. Allele origin: germline.
Comment: The NC_012920.1:m.13649C>T (YP_003024036.1:p.Pro438Leu) variant in MTND5 gene is interpretated to be a Likely Benign variant based on the modified ACMG guidelines (unpublished). This variant meets the following evidence codes: BS4, BP4

NC_012920.1(MT-ND5):m.13649C>T

Gene: MT-ND5 (mitochondrially encoded NADH dehydrogenase 5; plus strand).
Variant type: single nucleotide variant.
Genome position: chrM-13649-C-T.
Identifiers: ClinVar variation 693584 (VCV000693584.1), dbSNP rs1603224283, ClinGen allele CA414818909.